The following is an entry in ClinVar:

NM_001365536.1(SCN9A):c.3075A>T (p.Arg1025Ser)

Genes: SCN9A (sodium voltage-gated channel alpha subunit 9; minus strand), SCN1A-AS1 (SCN1A and SCN9A antisense RNA 1; plus strand). Cytogenetic location: 2q24.3.
Variant type: single nucleotide variant.
Coding change: c.3075A>T on transcript NM_001365536.1 (MANE Select); coding-DNA position 3075, A replaced by T.
Protein change: p.Arg1025Ser; replaces arginine 1025 with serine.
Molecular consequence: missense variant.
Genome position (GRCh38, 1-based): chr2:166,272,675, T>A on the plus strand (A>T on the coding strand, the complement: SCN9A is on the minus strand). VCF-style: chr2-166272675-T-A. GRCh37 (hg19) VCF-style: chr2-167129185-T-A.
Other names: c.3042A>T, p.Arg1014Ser (NM_002977.4); short protein forms R1014S, R1025S.
Identifiers: ClinVar variation 843967 (VCV000843967.10), dbSNP rs778873872, ClinGen allele CA1944140.

ClinVar aggregate classification (germline): Uncertain significance (1 of 4 stars; one submission).

Conditions:
Generalized epilepsy with febrile seizures plus, type 7 (GEFSP7). Also called: GEFS+, TYPE 7. Identifiers: Orphanet 36387, MedGen C2751778, MONDO:0013470, OMIM 613863.
Neuropathy, hereditary sensory and autonomic, type 2A (HSAN2A). Also called: HSAN IIA; WNK1-Related HSAN2 (HSAN2A); MORVAN DISEASE; NEUROPATHY, CONGENITAL SENSORY; NEUROPATHY, HEREDITARY SENSORY RADICULAR, AUTOSOMAL RECESSIVE; NEUROPATHY, HEREDITARY SENSORY, TYPE IIA. Identifiers: Orphanet 970, MedGen C2752089, MONDO:0024309, OMIM 201300.

Allele frequency attached by ClinVar (database versions not stated): gnomAD exomes below 0.00001 and 0.00001; ExAC 0.00001.
gnomAD v4.1: 10 of 1,610,296 alleles (0.00062%); highest among the groups gnomAD compares: Non-Finnish European, 0.00085%; no homozygotes.

Submission:

Labcorp Genetics (formerly Invitae), Labcorp
Classification: Uncertain significance for Neuropathy, hereditary sensory and autonomic, type 2A; Generalized epilepsy with febrile seizures plus, type 7. Last evaluated: 2022-12-31. Review status: criteria provided, single submitter. Criteria: Invitae Variant Classification Sherloc (09022015). Collection method: clinical testing. Allele origin: germline.
Comment: This sequence change replaces arginine, which is basic and polar, with serine, which is neutral and polar, at codon 1014 of the SCN9A protein (p.Arg1014Ser). This variant is present in population databases (rs778873872, gnomAD 0.0009%). This variant has not been reported in the literature in individuals affected with SCN9A-related conditions. ClinVar contains an entry for this variant (Variation ID: 843967). Advanced modeling of protein sequence and biophysical properties (such as structural, functional, and spatial information, amino acid conservation, physicochemical variation, residue mobility, and thermodynamic stability) performed at Invitae indicates that this missense variant is not expected to disrupt SCN9A protein function. In summary, the available evidence is currently insufficient to determine the role of this variant in disease. Therefore, it has been classified as a Variant of Uncertain Significance.